The following is an entry in ClinVar:

ClinVar aggregate classification (germline): Conflicting classifications of pathogenicity. Review status: criteria provided, conflicting classifications (1 of 4 stars). 3 submissions from 3 submitters: Uncertain significance (2); Likely benign (1). Last evaluated 2023-08-11.

Conditions:
Hereditary cancer-predisposing syndrome. Also called: Neoplastic Syndromes, Hereditary; Tumor predisposition; Hereditary Cancer Syndrome; Hereditary neoplastic syndrome. Identifiers: Orphanet 140162, MedGen C0027672, MeSH D009386, MONDO:0015356.
Hereditary breast ovarian cancer syndrome. Also called: Breast and ovarian cancer; Hereditary breast and ovarian cancer; Hereditary breast and/or ovarian cancer syndrome; BRCA1- and BRCA2-Associated Hereditary Breast and Ovarian Cancer; Hereditary breast and ovarian cancer syndrome; Hereditary breast and ovarian cancer syndrome (HBOC). Identifiers: Orphanet 145, MedGen C0677776, MeSH D061325, MONDO:0003582. Disease mechanism: loss of function.

Allele frequency attached by ClinVar (database versions not stated): gnomAD exomes below 0.00001.
gnomAD v4.1: 2 of 1,613,602 alleles (0.00012%); highest among the groups gnomAD compares: African/African-American, 0.0013%; no homozygotes.

Submissions (3):

Ambry Genetics
Classification: Uncertain significance for Hereditary cancer-predisposing syndrome. Last evaluated: 2023-08-11. Review status: criteria provided, single submitter. Criteria: Ambry Variant Classification Scheme 2023. Collection method: clinical testing. Allele origin: germline.
Comment: The p.L1897F variant (also known as c.5691G>T), located in coding exon 10 of the BRCA2 gene, results from a G to T substitution at nucleotide position 5691. The leucine at codon 1897 is replaced by phenylalanine, an amino acid with highly similar properties. This amino acid position is not well conserved in available vertebrate species. In addition, the in silico prediction for this alteration is inconclusive. Since supporting evidence is limited at this time, the clinical significance of this alteration remains unclear.

University of Washington Department of Laboratory Medicine, University of Washington
Classification: Likely benign for Hereditary cancer-predisposing syndrome. Last evaluated: 2023-03-23. Review status: criteria provided, single submitter. Criteria: Dines et al. (Genet Med. 2020). Collection method: curation. Allele origin: germline.
Comment: Missense variant in a coldspot region where missense variants are very unlikely to be pathogenic (PMID:31911673).

BRCA2 exon 11 coldspot. Reclassification based on statistical prior probability.

Labcorp Genetics (formerly Invitae), Labcorp
Classification: Uncertain significance for Hereditary breast ovarian cancer syndrome. Last evaluated: 2020-07-12. Review status: criteria provided, single submitter. Criteria: Invitae Variant Classification Sherloc (09022015). Collection method: clinical testing. Allele origin: germline.
Comment: This sequence change replaces leucine with phenylalanine at codon 1897 of the BRCA2 protein (p.Leu1897Phe). The leucine residue is moderately conserved and there is a small physicochemical difference between leucine and phenylalanine. This variant is not present in population databases (ExAC no frequency). This variant has not been reported in the literature in individuals with BRCA2-related disease. ClinVar contains an entry for this variant (Variation ID: 141537). Algorithms developed to predict the effect of missense changes on protein structure and function are either unavailable or do not agree on the potential impact of this missense change (SIFT: "Deleterious"; PolyPhen-2: "Possibly Damaging"; Align-GVGD: "Class C0"). In summary, the available evidence is currently insufficient to determine the role of this variant in disease. Therefore, it has been classified as a Variant of Uncertain Significance.

NM_000059.4(BRCA2):c.5691G>T (p.Leu1897Phe)

Gene: BRCA2 (BRCA2 DNA repair associated; plus strand). Cytogenetic location: 13q13.1.
Variant type: single nucleotide variant.
Coding change: c.5691G>T on transcript NM_000059.4 (MANE Select); coding-DNA position 5691, G replaced by T.
Protein change: p.Leu1897Phe; replaces leucine 1897 with phenylalanine.
Molecular consequence: missense variant.
Genome position (GRCh38, 1-based): chr13:32,340,046, G>T. VCF-style: chr13-32340046-G-T. GRCh37 (hg19) VCF-style: chr13-32914183-G-T.
Other names: short protein forms L1897F.
Identifiers: ClinVar variation 141537 (VCV000141537.18), dbSNP rs587781826, ClinGen allele CA022992.
Genomic context (GRCh38, chr13:32,340,046, plus strand): 5'-CAACGAGAATAAATCAAAAATTTGCCAAACGAAAATTATGGCAGGTTGTTACGAGGCATT[G>T]GATGATTCAGAGGATATTCTTCATAACTCTCTAGATAATGATGAATGTAGCACGCATTCA-3'
Protein context (NP_000050.3, residues 1887-1907): TKIMAGCYEA[Leu1897Phe]DDSEDILHNS